The following is an entry in ClinVar:

NM_002582.4(PARN):c.1131C>T (p.His377=)

Gene: PARN (poly(A)-specific ribonuclease; minus strand). Cytogenetic location: 16p13.12.
Variant type: single nucleotide variant.
Coding change: c.1131C>T on transcript NM_002582.4 (MANE Select); coding-DNA position 1131, C replaced by T.
Protein change: p.His377=; no amino-acid change (histidine 377 retained).
Molecular consequence: synonymous variant.
Genome position (GRCh38, 1-based): chr16:14,582,242, G>A on the plus strand (C>T on the coding strand, the complement: PARN is on the minus strand). VCF-style: chr16-14582242-G-A. GRCh37 (hg19) VCF-style: chr16-14676099-G-A.
Other names: c.948C>T, p.His316= (NM_001134477.3); c.993C>T, p.His331= (NM_001242992.2).
Identifiers: ClinVar variation 708697 (VCV000708697.38), dbSNP rs200644588, ClinGen allele CA7912143.

ClinVar aggregate classification (germline): Likely benign. Review status: criteria provided, multiple submitters, no conflicts (2 of 4 stars). 5 submissions from 5 submitters: Likely benign (4). 1 of the submissions does not count toward it. Last evaluated 2026-01-14.

Conditions:
PARN-related disorder. Also called: PARN-related condition; PARN-related disorders.
Dyskeratosis congenita, autosomal recessive 6 (DKCB6). Identifiers: MedGen C4225356, MONDO:0014600, OMIM 616353.
Pulmonary fibrosis and/or bone marrow failure, Telomere-related, 4. Also called: PULMONARY FIBROSIS AND/OR BONE MARROW FAILURE SYNDROME, TELOMERE-RELATED, 4. Identifiers: Orphanet 2032, MedGen C4225347, MONDO:0014612, OMIM 616371.

Allele frequency attached by ClinVar (database versions not stated): gnomAD 0.00009 and 0.00010; ExAC 0.00013; gnomAD exomes 0.00014 and 0.00019; TOPMed 0.00016; ESP Exome Variant Server 0.00024.
gnomAD v4.1: 288 of 1,613,586 alleles (0.018%); highest among the groups gnomAD compares: Non-Finnish European, 0.023%; no homozygotes.

Submissions (5):

Labcorp Genetics (formerly Invitae), Labcorp
Classification: Likely benign for Dyskeratosis congenita, autosomal recessive 6; Pulmonary fibrosis and/or bone marrow failure, Telomere-related, 4. Last evaluated: 2026-01-14. Review status: criteria provided, single submitter. Criteria: Invitae Variant Classification Sherloc (09022015). Collection method: clinical testing. Allele origin: germline.

Laboratory of Genetics, Children's Clinical University Hospital Latvia
Classification: Likely benign. Last evaluated: 2025-02-16. Review status: criteria provided, single submitter. Criteria: ACMG Guidelines, 2015. Collection method: clinical testing. Allele origin: germline. Affected: yes.

Blueprint Genetics
Classification: Likely benign. Last evaluated: 2024-10-28. Review status: criteria provided, single submitter. Criteria: ACMG Guidelines, 2015. Collection method: clinical testing. Allele origin: germline.

CeGaT Center for Human Genetics Tuebingen
Classification: Likely benign. Last evaluated: 2022-03-01. Review status: criteria provided, single submitter. Criteria: CeGaT Center For Human Genetics Tuebingen Variant Classification Criteria Version 2. Collection method: clinical testing. Allele origin: germline. Affected: yes. Observed: 1 variant allele.
Comment: PARN: BP4, BP7

PreventionGenetics, part of Exact Sciences
Classification: Likely benign for PARN-related condition. Last evaluated: 2020-02-14. Review status: no assertion criteria provided. Collection method: clinical testing. Allele origin: germline. Not counted in ClinVar's aggregate classification.
Comment: This variant is classified as likely benign based on ACMG/AMP sequence variant interpretation guidelines (Richards et al. 2015 PMID: 25741868, with internal and published modifications).